The following is an entry in ClinVar:

ClinVar aggregate classification (germline): Uncertain significance (1 of 4 stars; one submission).

Allele frequency attached by ClinVar (database versions not stated): TOPMed below 0.00001; ExAC 0.00001; gnomAD 0.00001; gnomAD exomes below 0.00001.
gnomAD v4.1: 5 of 1,614,110 alleles (0.00031%); highest among the groups gnomAD compares: Non-Finnish European, 0.00025%; no homozygotes.

Submission:

Labcorp Genetics (formerly Invitae), Labcorp
Classification: Uncertain significance. Last evaluated: 2025-10-21. Review status: criteria provided, single submitter. Criteria: Invitae Variant Classification Sherloc (09022015). Collection method: clinical testing. Allele origin: germline.
Comment: The EPB41 gene has multiple clinically relevant transcripts. This variant occurs in alternate transcript NM_001166005.1, and corresponds to NM_004437.3:c.-456C>G in the primary transcript. This sequence change affects codon 84 of the EPB41 mRNA. It is a 'silent' change, meaning that it does not change the encoded amino acid sequence of the EPB41 protein. This variant is present in population databases (rs768350524, gnomAD 0.0009%). This variant has not been reported in the literature in individuals affected with EPB41-related conditions. ClinVar contains an entry for this variant (Variation ID: 2983773). Experimental studies and prediction algorithms are not available or were not evaluated, and the effect of this variant on mRNA splicing is currently unknown. In summary, the available evidence is currently insufficient to determine the role of this variant in disease. Therefore, it has been classified as a Variant of Uncertain Significance.

NM_001376013.1(EPB41):c.252C>G (p.Ser84=)

Gene: EPB41 (erythrocyte membrane protein band 4.1; plus strand). Cytogenetic location: 1p35.3.
Variant type: single nucleotide variant.
Coding change: c.252C>G on transcript NM_001376013.1 (MANE Select); coding-DNA position 252, C replaced by G.
Protein change: p.Ser84=; no amino-acid change (serine 84 retained).
Molecular consequence: synonymous variant. On other transcripts: 5 prime UTR variant (10).
Genome position (GRCh38, 1-based): chr1:28,987,689, C>G. VCF-style: chr1-28987689-C-G. GRCh37 (hg19) VCF-style: chr1-29314201-C-G.
Other names: c.252C>G, p.Ser84= (NM_001166005.2, NM_001166006.2, NM_001376014.1 and 8 more transcripts); c.-376C>G (NM_001166007.2, NM_001376022.1, NM_001376023.1 and 5 more transcripts); c.-456C>G (NM_004437.4, NM_203342.3).
Identifiers: ClinVar variation 2983773 (VCV002983773.3), dbSNP rs768350524, ClinGen allele CA724190.